The following is an entry in ClinVar:

NM_002878.4(RAD51D):c.276G>T (p.Leu92=)

Genes: RAD51L3-RFFL (RAD51L3-RFFL readthrough; minus strand), RAD51D (RAD51 paralog D; minus strand). Cytogenetic location: 17q12.
Variant type: single nucleotide variant.
Coding change: c.276G>T on transcript NM_002878.4 (MANE Select); coding-DNA position 276, G replaced by T.
Protein change: p.Leu92=; no amino-acid change (leucine 92 retained).
Molecular consequence: synonymous variant. On other transcripts: non-coding transcript variant (2), intron variant (1).
Genome position (GRCh38, 1-based): chr17:35,107,435, C>A on the plus strand (G>T on the coding strand, the complement: RAD51D is on the minus strand). VCF-style: chr17-35107435-C-A. GRCh37 (hg19) VCF-style: chr17-33434454-C-A.
Other names: c.336G>T, p.Leu112= (NM_001142571.2); c.145-954G>T (NM_133629.3).
Identifiers: ClinVar variation 1131806 (VCV001131806.12), dbSNP rs1057522424, ClinGen allele CA499731911.

ClinVar aggregate classification (germline): Benign/Likely benign. Review status: criteria provided, multiple submitters, no conflicts (2 of 4 stars). 3 submissions from 3 submitters: Benign (1); Likely benign (2). Last evaluated 2025-02-20.

Conditions:
Breast-ovarian cancer, familial, susceptibility to, 4. Identifiers: Orphanet 145, MedGen C3280345, MONDO:0013669, OMIM 614291.
Hereditary cancer-predisposing syndrome. Also called: Neoplastic Syndromes, Hereditary; Hereditary Cancer Syndrome; Tumor predisposition; Hereditary neoplastic syndrome. Identifiers: Orphanet 140162, MedGen C0027672, MeSH D009386, MONDO:0015356.

gnomAD v4.1: 1 of 1,554,196 alleles (0.000064%); highest among the groups gnomAD compares: African/African-American, 0.0014%; no homozygotes.

Submissions (3):

Myriad Genetics, Inc.
Classification: Benign for Breast-ovarian cancer, familial, susceptibility to, 4. Last evaluated: 2025-02-20. Review status: criteria provided, single submitter. Criteria: Myriad Autosomal Dominant, Autosomal Recessive and X-Linked Classification Criteria (2023). Collection method: clinical testing. Allele origin: unknown.
Comment: This variant is considered benign. This variant is a silent/synonymous amino acid change and it is not expected to impact splicing.

Labcorp Genetics (formerly Invitae), Labcorp
Classification: Likely benign for Breast-ovarian cancer, familial, susceptibility to, 4. Last evaluated: 2023-09-03. Review status: criteria provided, single submitter. Criteria: Invitae Variant Classification Sherloc (09022015). Collection method: clinical testing. Allele origin: germline.

Ambry Genetics
Classification: Likely benign for Hereditary cancer-predisposing syndrome. Last evaluated: 2021-06-07. Review status: criteria provided, single submitter. Criteria: Ambry Variant Classification Scheme 2023. Collection method: clinical testing. Allele origin: germline.